The following is an entry in ClinVar:

ClinVar aggregate classification (germline): Uncertain significance (1 of 4 stars; one submission).

gnomAD v4.1: 4 of 1,614,154 alleles (0.00025%); highest among the groups gnomAD compares: South Asian, 0.0022%; no homozygotes.

Submission:

Women's Health and Genetics/Laboratory Corporation of America, LabCorp
Classification: Uncertain significance. Last evaluated: 2024-11-25. Review status: criteria provided, single submitter. Criteria: LabCorp Variant Classification Summary - May 2015. Collection method: clinical testing. Allele origin: germline.
Comment: Variant summary: PSEN1 c.179G>A (p.Arg60Gln) results in a conservative amino acid change in the encoded protein sequence. Four of five in-silico tools predict a benign effect of the variant on protein function. The variant allele was found at a frequency of 4e-06 in 251400 control chromosomes. The available data on variant occurrences in the general population are insufficient to allow any conclusion about variant significance. To our knowledge, no occurrence of c.179G>A in individuals affected with Alzheimer Disease, Type 3 and no experimental evidence demonstrating its impact on protein function have been reported. No submitters have cited clinical-significance assessments for this variant to ClinVar. Based on the evidence outlined above, the variant was classified as uncertain significance.

NM_000021.4(PSEN1):c.179G>A (p.Arg60Gln)

Gene: PSEN1 (presenilin 1; plus strand). Cytogenetic location: 14q24.2.
Variant type: single nucleotide variant.
Coding change: c.179G>A on transcript NM_000021.4 (MANE Select); coding-DNA position 179, G replaced by A.
Protein change: p.Arg60Gln; replaces arginine 60 with glutamine.
Molecular consequence: missense variant.
Genome position (GRCh38, 1-based): chr14:73,170,888, G>A. VCF-style: chr14-73170888-G-A. GRCh37 (hg19) VCF-style: chr14-73637596-G-A.
Other names: c.167G>A, p.Arg56Gln (NM_007318.3); short protein forms R56Q, R60Q.
Identifiers: ClinVar variation 3629579 (VCV003629579.2).